The following is an entry in ClinVar:

NM_001267550.2(TTN):c.6432G>A (p.Glu2144=)

Gene: TTN (titin; minus strand). Cytogenetic location: 2q31.2.
Variant type: single nucleotide variant.
Coding change: c.6432G>A on transcript NM_001267550.2 (MANE Select); coding-DNA position 6432, G replaced by A.
Protein change: p.Glu2144=; no amino-acid change (glutamic acid 2144 retained).
Molecular consequence: synonymous variant.
Genome position (GRCh38, 1-based): chr2:178,775,432, C>T on the plus strand (G>A on the coding strand, the complement: TTN is on the minus strand). VCF-style: chr2-178775432-C-T. GRCh37 (hg19) VCF-style: chr2-179640159-C-T.
Other names: c.6432G>A, p.Glu2144= (NM_001256850.1, NM_133378.4, NM_133379.5); c.6294G>A, p.Glu2098= (NM_003319.4, NM_133432.3, NM_133437.4).
Identifiers: ClinVar variation 767002 (VCV000767002.17), dbSNP rs775967972, ClinGen allele CA2005049.

ClinVar aggregate classification (germline): Likely benign. Review status: criteria provided, multiple submitters, no conflicts (2 of 4 stars). 3 submissions from 3 submitters: Likely benign (3). Last evaluated 2025-12-03.

Conditions:
Dilated cardiomyopathy 1G (CMD1G). Identifiers: Orphanet 154, MedGen C1858763, MONDO:0011400, OMIM 604145.
Autosomal recessive limb-girdle muscular dystrophy type 2J (LGMDR10). Also called: MUSCULAR DYSTROPHY, LIMB-GIRDLE, AUTOSOMAL RECESSIVE 10; Limb-girdle muscular dystrophy, type 2J. Identifiers: Orphanet 140922, MedGen C1837342, MONDO:0012127, OMIM 608807.
Cardiovascular phenotype. Identifiers: MedGen CN230736.

Allele frequency attached by ClinVar (database versions not stated): gnomAD 0.00001; gnomAD exomes 0.00001 and 0.00002; TOPMed 0.00001; ExAC 0.00002.
gnomAD v4.1: 7 of 1,613,908 alleles (0.00043%); highest among the groups gnomAD compares: Admixed American, 0.01%; no homozygotes.

Submissions (3):

Labcorp Genetics (formerly Invitae), Labcorp
Classification: Likely benign for Dilated cardiomyopathy 1G; Autosomal recessive limb-girdle muscular dystrophy type 2J. Last evaluated: 2025-12-03. Review status: criteria provided, single submitter. Criteria: Invitae Variant Classification Sherloc (09022015). Collection method: clinical testing. Allele origin: germline.

CeGaT Center for Human Genetics Tuebingen
Classification: Likely benign. Last evaluated: 2025-12-01. Review status: criteria provided, single submitter. Criteria: CeGaT Center For Human Genetics Tuebingen Variant Classification Criteria Version 2. Collection method: clinical testing. Allele origin: germline. Affected: yes. Observed: 1 variant allele.
Comment: TTN: BP4, BP7

Ambry Genetics
Classification: Likely benign for Cardiovascular phenotype. Last evaluated: 2018-05-16. Review status: criteria provided, single submitter. Criteria: Ambry Variant Classification Scheme 2023. Collection method: clinical testing. Allele origin: germline.